The following is an entry in ClinVar:

NM_007294.4(BRCA1):c.5503del (p.Arg1835fs)

Gene: BRCA1 (BRCA1 DNA repair associated; minus strand). Cytogenetic location: 17q21.31.
Variant type: Deletion.
Coding change: c.5503del on transcript NM_007294.4 (MANE Select); coding-DNA position 5503, one base deleted (C; older notation c.5503delC).
Protein change: p.Arg1835fs; shifts the reading frame from arginine 1835.
Molecular consequence: frameshift variant. On other transcripts: 3 prime UTR variant (1), non-coding transcript variant (1).
Genome position (GRCh38, 1-based): chr17:43,045,767, G deleted on the plus strand (C on the coding strand, the reverse complement: BRCA1 is on the minus strand); the first of 3 consecutive G bases (chr17:43,045,767-43,045,769); deleting any one gives the same sequence. VCF-style (leftmost placement, unchanged base first): chr17-43045766-CG-C. GRCh37 (hg19) VCF-style: chr17-41197783-CG-C.
Other names: c.5503delC (NM_007294.3); c.2192delC, p.Arg732Glufs (NM_001407976.1, NM_001407977.1, NM_001407978.1 and 3 more transcripts); c.2189delC, p.Arg731Glufs (NM_001407979.1, NM_001407980.1, NM_001407981.1 and 11 more transcripts); c.2186delC, p.Arg730Glufs (NM_001408392.1, NM_001408396.1, NM_001408397.1 and 7 more transcripts); c.2183delC, p.Arg729Glufs (NM_001408406.1, NM_001408407.1, NM_001408408.1); c.2180delC, p.Arg728Glufs (NM_001408409.1); c.2117delC, p.Arg707Glufs (NM_001408410.1); c.2114delC, p.Arg706Glufs (NM_001408411.1); and 78 more; short protein forms R1835fs, R1856fs, R1788fs, R731fs.
Identifiers: ClinVar variation 55603 (VCV000055603.9), dbSNP rs397509291, ClinGen allele CA003675.

ClinVar aggregate classification (germline): Pathogenic. Review status: reviewed by expert panel (3 of 4 stars). 5 submissions from 5 submitters: Pathogenic (1). 4 of the submissions do not count toward it. Last evaluated 2016-09-08.

Conditions:
Breast-ovarian cancer, familial, susceptibility to, 1 (BROVCA1). Also called: BRCA1 Hereditary Breast and Ovarian Cancer; OVARIAN CANCER, SUSCEPTIBILITY TO. Identifiers: Orphanet 145, MedGen C2676676, MONDO:0011450, OMIM 604370. Disease mechanism: loss of function.
Hereditary breast ovarian cancer syndrome. Also called: BRCA1- and BRCA2-Associated Hereditary Breast and Ovarian Cancer; Hereditary breast and ovarian cancer syndrome; Hereditary breast and ovarian cancer syndrome (HBOC); Breast and ovarian cancer; Hereditary breast and/or ovarian cancer syndrome; Hereditary breast and ovarian cancer. Identifiers: Orphanet 145, MedGen C0677776, MeSH D061325, MONDO:0003582. Disease mechanism: loss of function.

Submissions (5):

Evidence-based Network for the Interpretation of Germline Mutant Alleles (ENIGMA)
Classification: Pathogenic for Breast-ovarian cancer, familial, susceptibility to, 1. Last evaluated: 2016-09-08. Review status: reviewed by expert panel. Criteria: ENIGMA BRCA1/2 Classification Criteria (2015). Collection method: curation. Allele origin: germline.
Comment: Variant allele predicted to encode a truncated non-functional protein.

Labcorp Genetics (formerly Invitae), Labcorp
Classification: Pathogenic for Hereditary breast ovarian cancer syndrome. Last evaluated: 2024-07-09. Review status: criteria provided, single submitter. Criteria: Invitae Variant Classification Sherloc (09022015). Collection method: clinical testing. Allele origin: germline. Not counted in ClinVar's aggregate classification.
Comment: This sequence change creates a premature translational stop signal (p.Arg1835Glufs*8) in the BRCA1 gene. While this is not anticipated to result in nonsense mediated decay, it is expected to disrupt the last 29 amino acid(s) of the BRCA1 protein. This variant is not present in population databases (gnomAD no frequency). This premature translational stop signal has been observed in individual(s) with BRCA1-related conditions (PMID: 18704682). ClinVar contains an entry for this variant (Variation ID: 55603). Algorithms developed to predict the effect of sequence changes on RNA splicing suggest that this variant may disrupt the consensus splice site. This variant disrupts the C-terminal end of the BRCA1 protein partially including the BRCT domain (residues 1646-1859), which is important for DNA repair activity (PMID: 11573086, 14576433, 15133503, 25652403). While functional studies have not been performed to directly test the effect on BRCA1 protein function, this suggests that disruption of the C-terminal portion of the protein is functionally important. A different truncation (p.Tyr1853*) that lies downstream of this variant has been determined to be pathogenic (PMID: 21922593, 10811118, 11739404, 12400015, 7894493, Invitae). This suggests that variants that disrupt this region of the protein are likely to be causative of disease. For these reasons, this variant has been classified as Pathogenic.

Consortium of Investigators of Modifiers of BRCA1/2 (CIMBA), c/o University of Cambridge
Classification: Pathogenic for Breast-ovarian cancer, familial, susceptibility to, 1. Last evaluated: 2015-10-02. Review status: criteria provided, single submitter. Criteria: CIMBA Mutation Classification guidelines May 2016. Collection method: clinical testing. Allele origin: germline. Not counted in ClinVar's aggregate classification.

Clinical Genetics DNA and cytogenetics Diagnostics Lab, Erasmus MC, Erasmus Medical Center
Classification: Pathogenic for Breast-ovarian cancer, familial, susceptibility to, 1. Last evaluated: 2015-09-21. Review status: criteria provided, single submitter. Criteria: ACGS Guidelines, 2013. Collection method: clinical testing. Allele origin: germline. Affected: yes. Study: VKGL Data-share Consensus. Not counted in ClinVar's aggregate classification.

Diagnostic Laboratory, Department of Genetics, University Medical Center Groningen
Classification: Pathogenic for Breast-ovarian cancer, familial, susceptibility to, 1. Review status: no assertion criteria provided. Collection method: clinical testing. Allele origin: germline. Affected: yes. Study: VKGL Data-share Consensus. Not counted in ClinVar's aggregate classification.

Literature cited by the submitters: PubMed 18704682 (cited by Labcorp Genetics (formerly Invitae), Labcorp); PubMed 11573086 (cited by Labcorp Genetics (formerly Invitae), Labcorp); PubMed 14576433 (cited by Labcorp Genetics (formerly Invitae), Labcorp); PubMed 15133503 (cited by Labcorp Genetics (formerly Invitae), Labcorp); PubMed 25652403 (cited by Labcorp Genetics (formerly Invitae), Labcorp); PubMed 21922593 (cited by Labcorp Genetics (formerly Invitae), Labcorp); PubMed 10811118 (cited by Labcorp Genetics (formerly Invitae), Labcorp); PubMed 11739404 (cited by Labcorp Genetics (formerly Invitae), Labcorp); PubMed 12400015 (cited by Labcorp Genetics (formerly Invitae), Labcorp); PubMed 7894493 (cited by Labcorp Genetics (formerly Invitae), Labcorp).